The following is an entry in ClinVar:

NM_000322.5(PRPH2):c.964_965del (p.Ser322fs)

Gene: PRPH2 (peripherin 2; minus strand). Cytogenetic location: 6p21.1.
Variant type: Microsatellite.
Coding change: c.964_965del on transcript NM_000322.5 (MANE Select); coding-DNA positions 964 to 965, 2 bases deleted (AG; older notation c.964_965delAG).
Protein change: p.Ser322fs; shifts the reading frame from serine 322.
Molecular consequence: frameshift variant.
Genome position (GRCh38, 1-based): chr6:42,698,371-42,698,372, CT deleted on the plus strand (AG on the coding strand, the reverse complement: PRPH2 is on the minus strand); deleting any 2 consecutive bases within chr6:42,698,371-42,698,375 gives the same sequence; the c. name uses the placement nearest the transcript's 3' end. VCF-style (leftmost placement, unchanged base first): chr6-42698370-ACT-A. GRCh37 (hg19) VCF-style: chr6-42666108-ACT-A.
Other names: c.964_965delAG (NM_000322.4); short protein forms S322fs.
Identifiers: ClinVar variation 867132 (VCV000867132.8), dbSNP rs1799985749, ClinGen allele CA916082822.
Genomic context (GRCh38, chr6:42,698,370, plus strand): 5'-GGCCTGGCCTGCGTCTGCGCCCTCGGCTTCCACCTGGTTGCCCTTGCCCAGCTTCTTCAC[ACT>A]CTCCAGAAAGGCCTTCCAGGTCTCCGGCACGCTCCTCTCCAGCAGCCAGCCCTGGCTCTC-3'

ClinVar aggregate classification (germline): Pathogenic/Likely pathogenic. Review status: criteria provided, multiple submitters, no conflicts (2 of 4 stars). 3 submissions from 3 submitters: Pathogenic (1); Likely pathogenic (2). Last evaluated 2026-02-16.

Conditions:
PRPH2-related disorder. Also called: PRPH2-related disorders; PRPH2-related condition. Identifiers: MedGen CN239395.

Submissions (3):

PreventionGenetics, part of Exact Sciences
Classification: Likely pathogenic for PRPH2-related condition. Last evaluated: 2026-02-16. Review status: criteria provided, single submitter. Criteria: ACMG Guidelines, 2015. Collection method: clinical testing. Allele origin: germline.
Comment: The PRPH2 c.964_965delAG variant is predicted to result in a frameshift and premature protein termination (p.Ser322Cysfs*69). This variant has been reported in an individual with a described phenotype of pseudo-Stargardt pattern dystrophy (Heath Jeffery et al. 2024. PubMed ID: 38743414). This variant is absent in a large population database (gnomAD), indicating this variant is rare. This variant resides in the final exon of this gene, and it is unclear if the resulting mRNA would undergo nonsense-mediated decay; however, a small number of downstream loss of function variants have been reported (Table S2, Peeters et al. 2021. PubMed ID: 34411390). This variant is interpreted as likely pathogenic.

Labcorp Genetics (formerly Invitae), Labcorp
Classification: Pathogenic for PRPH2-related disorder. Last evaluated: 2025-02-01. Review status: criteria provided, single submitter. Criteria: Invitae Variant Classification Sherloc (09022015). Collection method: clinical testing. Allele origin: germline.
Comment: This sequence change results in a frameshift in the PRPH2 gene (p.Ser322Cysfs*69). While this is not anticipated to result in nonsense mediated decay, it is expected to disrupt the last 25 amino acid(s) of the PRPH2 protein and extend the protein by 43 additional amino acid residues. This variant is not present in population databases (gnomAD no frequency). This frameshift has been observed in individual(s) with inherited retinal disorders (PMID: 38743414). ClinVar contains an entry for this variant (Variation ID: 867132). This variant disrupts a region of the PRPH2 protein in which other variant(s) (p.Val332Glu) have been determined to be pathogenic (PMID: 30718709, 32531846; internal data). This suggests that this is a clinically significant region of the protein, and that variants that disrupt it are likely to be disease-causing. For these reasons, this variant has been classified as Pathogenic.

Blueprint Genetics
Classification: Likely pathogenic for PRPH2-related disorders. Last evaluated: 2019-04-05. Review status: criteria provided, single submitter. Criteria: ACMG Guidelines, 2015. Collection method: clinical testing. Allele origin: germline. Affected: yes. Observed: 1 variant allele.

Literature cited by the submitters: PubMed 38743414 (cited by Labcorp Genetics (formerly Invitae), Labcorp); PubMed 30718709 (cited by Labcorp Genetics (formerly Invitae), Labcorp); PubMed 32531846 (cited by Labcorp Genetics (formerly Invitae), Labcorp).